The following is an entry in ClinVar:

ClinVar aggregate classification (germline): Uncertain significance. Review status: criteria provided, multiple submitters, no conflicts (2 of 4 stars). 2 submissions from 2 submitters: Uncertain significance (2). Last evaluated 2025-01-18.

Conditions:
Inborn genetic diseases. Identifiers: MedGen C0950123, MeSH D030342.

Submissions (2):

Ambry Genetics
Classification: Uncertain significance for Inborn genetic diseases. Last evaluated: 2025-01-18. Review status: criteria provided, single submitter. Criteria: Ambry Variant Classification Scheme 2023. Collection method: clinical testing. Allele origin: germline.
Comment: The p.R250G variant (also known as c.748A>G), located in coding exon 6 of the HAX1 gene, results from an A to G substitution at nucleotide position 748. The arginine at codon 250 is replaced by glycine, an amino acid with dissimilar properties. This amino acid position is conserved. In addition, this alteration is predicted to be tolerated by in silico analysis. Based on the available evidence, the clinical significance of this variant remains unclear.

Genetic Services Laboratory, University of Chicago
Classification: Uncertain significance. Last evaluated: 2021-11-22. Review status: criteria provided, single submitter. Criteria: ACMG Guidelines, 2015. Collection method: clinical testing. Allele origin: germline. Affected: no.
Comment: DNA sequence analysis of the HAX1 gene demonstrated a sequence change, c.748A>G, in exon 6 that results in an amino acid change, p.Arg250Gly. This sequence change does not appear to have been previously described in individuals with HAX1-related disorders and has also not been described in the population databases such as ExAC and gnomAD. The p.Arg250Gly change affects a moderately conserved amino acid residue located in a domain of the HAX1 protein that is known to be functional. The p.Arg250Gly substitution appears to be benign using several in-silico pathogenicity prediction tools (SIFT, PolyPhen2, Align GVGD, REVEL). Due to insufficient evidence and the lack of functional studies, the clinical significance of the p.Arg250Gly change remains unknown at this time.

NM_006118.4(HAX1):c.748A>G (p.Arg250Gly)

Gene: HAX1 (HCLS1 associated protein X-1; plus strand). Cytogenetic location: 1q21.3.
Variant type: single nucleotide variant.
Coding change: c.748A>G on transcript NM_006118.4 (MANE Select); coding-DNA position 748, A replaced by G.
Protein change: p.Arg250Gly; replaces arginine 250 with glycine.
Molecular consequence: missense variant.
Genome position (GRCh38, 1-based): chr1:154,275,477, A>G. VCF-style: chr1-154275477-A-G. GRCh37 (hg19) VCF-style: chr1-154247953-A-G.
Other names: c.604A>G, p.Arg202Gly (NM_001018837.2); short protein forms R202G, R250G.
Identifiers: ClinVar variation 1338144 (VCV001338144.5), dbSNP rs2149140748, ClinGen allele CA342594002.